The following is an entry in ClinVar:

ClinVar aggregate classification (germline): Uncertain significance (1 of 4 stars; one submission).

Conditions:
Developmental and epileptic encephalopathy, 53. Also called: Epileptic encephalopathy, early infantile, 53. Identifiers: MedGen C4479313, MONDO:0033362, OMIM 617389.
Early-onset Parkinson disease 20. Also called: PARKINSON DISEASE 20, AUTOSOMAL RECESSIVE EARLY-ONSET. Identifiers: Orphanet 391411, MedGen C3809824, MONDO:0014233, OMIM 615530.

Submission:

Juno Genomics, Hangzhou Juno Genomics, Inc
Classification: Uncertain significance for Developmental and epileptic encephalopathy, 53; Early-onset Parkinson disease 20. Review status: criteria provided, single submitter. Criteria: ACMG Guidelines, 2015. Collection method: clinical testing. Allele origin: germline. Affected: yes.
Comment: Absent from controls (or at extremely low frequency if recessive) in Genome Aggregation Database.;Multiple lines of computational evidence support a deleterious effect on the gene or gene product.;For recessive disorders, detected in trans with a pathogenic variant.

NM_203446.3(SYNJ1):c.1735A>G (p.Ser579Gly)

Gene: SYNJ1 (synaptojanin 1; minus strand). Cytogenetic location: 21q22.11.
Variant type: single nucleotide variant.
Coding change: c.1735A>G on transcript NM_203446.3 (MANE Select); coding-DNA position 1735, A replaced by G.
Protein change: p.Ser579Gly; replaces serine 579 with glycine.
Molecular consequence: missense variant.
Genome position (GRCh38, 1-based): chr21:32,670,364, T>C on the plus strand (A>G on the coding strand, the complement: SYNJ1 is on the minus strand). VCF-style: chr21-32670364-T-C. GRCh37 (hg19) VCF-style: chr21-34042674-T-C.
Other names: c.1735A>G, p.Ser579Gly (NM_001160302.2); c.1720A>G, p.Ser574Gly (NM_001160306.2); c.1852A>G, p.Ser618Gly (NM_003895.4); short protein forms S574G, S579G, S618G.
Identifiers: ClinVar variation 5019176 (VCV005019176.1).